The following is an entry in ClinVar:

NM_000551.4(VHL):c.340+800G>A

Genes: VHL (von Hippel-Lindau tumor suppressor; plus strand), LOC107303340 (3p25 von Hippel-Lindau tumor suppressor, E3 ubiquitin protein ligase Alu-mediated recombination region; plus strand). Cytogenetic location: 3p25.3.
Variant type: single nucleotide variant.
Coding change: c.340+800G>A on transcript NM_000551.4 (MANE Select); 800 bases into the intron after coding-DNA position 340, G replaced by A.
Molecular consequence: intron variant. On other transcripts: missense variant (1).
Genome position (GRCh38, 1-based): chr3:10,142,987, G>A. VCF-style: chr3-10142987-G-A. GRCh37 (hg19) VCF-style: chr3-10184671-G-A.
Other names: c.565G>A (NM_001354723.1); c.565G>A, p.Glu189Lys (NM_001354723.2); c.340+800G>A (NM_198156.3); short protein forms E189K.
Identifiers: ClinVar variation 851353 (VCV000851353.11), dbSNP rs999509680, ClinGen allele CA70046821.

ClinVar aggregate classification (germline): Conflicting classifications of pathogenicity. Review status: criteria provided, conflicting classifications (1 of 4 stars). 2 submissions from 2 submitters: Uncertain significance (1); Likely benign (1). Last evaluated 2026-01-02.

Conditions:
VHL-related disorder. Also called: VHL-related condition.
Chuvash polycythemia. Also called: POLYCYTHEMIA, VHL-DEPENDENT. Identifiers: Orphanet 238557, MedGen C1837915, MONDO:0009892, OMIM 263400.
Von Hippel-Lindau syndrome (VHLS). Also called: Von Hippel-Lindau; von Hippel–Lindau syndrome; VHL syndrome. Identifiers: Orphanet 892, MedGen C0019562, MONDO:0008667, OMIM 193300. Disease mechanism: loss of function.

Allele frequency attached by ClinVar (database versions not stated): gnomAD 0.00002; TOPMed 0.00003.
gnomAD v4.1: 3 of 152,406 alleles (0.002%); highest among the groups gnomAD compares: Non-Finnish European, 0.0044%; no homozygotes.

Submissions (2):

Labcorp Genetics (formerly Invitae), Labcorp
Classification: Likely benign for Von Hippel-Lindau syndrome; Chuvash polycythemia. Last evaluated: 2026-01-02. Review status: criteria provided, single submitter. Criteria: Invitae Variant Classification Sherloc (09022015). Collection method: clinical testing. Allele origin: germline.

PreventionGenetics, part of Exact Sciences
Classification: Uncertain significance for VHL-related condition. Last evaluated: 2025-12-31. Review status: criteria provided, single submitter. Criteria: ACMG Guidelines, 2015. Collection method: clinical testing. Allele origin: germline.
Comment: The VHL c.565G>A variant is predicted to result in the amino acid substitution p.Glu189Lys. This variant corresponds to a deep intronic position in the primary VHL transcript (NM_000551.3:c.340+800G>A). This variant occurs as a missense change in a cryptic exon in an alternate VHL transcript, referred to as exon E1' (Lenglet et al. 2018. PubMed ID: 29891534). To our knowledge, this variant has not been reported in the literature or in a large population database, indicating this variant is rare. It has conflicting interpretations in ClinVar ranging from likely benign to uncertain (Variation ID: 851353). Although we suspect that this variant may be benign, at this time, the clinical significance of this variant is uncertain due to the absence of conclusive functional and genetic evidence.